The following is an entry in ClinVar:

ClinVar aggregate classification (germline): Uncertain significance (1 of 4 stars; one submission).

Conditions:
Cone-rod dystrophy 6 (CORD6). Also called: Cone dystrophy progressive; RETINAL CONE DYSTROPHY 2. Identifiers: Orphanet 1872, MedGen C1866293, MONDO:0011143, OMIM 601777.
Leber congenital amaurosis 1 (LCA1). Also called: RETINAL BLINDNESS, CONGENITAL; AMAUROSIS CONGENITA OF LEBER I; Congenital absence of the rods and cones; Leber's congenital tapetoretinal degeneration; Leber's congenital tapetoretinal dysplasia. Identifiers: Orphanet 65, MedGen C2931258, MONDO:0008764, OMIM 204000.

Submission:

Labcorp Genetics (formerly Invitae), Labcorp
Classification: Uncertain significance for Leber congenital amaurosis 1; Cone-rod dystrophy 6. Last evaluated: 2022-06-08. Review status: criteria provided, single submitter. Criteria: Invitae Variant Classification Sherloc (09022015). Collection method: clinical testing. Allele origin: germline.
Comment: Algorithms developed to predict the effect of missense changes on protein structure and function are either unavailable or do not agree on the potential impact of this missense change (SIFT: "Deleterious"; PolyPhen-2: "Probably Damaging"; Align-GVGD: "Class C15"). This variant has not been reported in the literature in individuals affected with GUCY2D-related conditions. This variant is not present in population databases (gnomAD no frequency). This sequence change replaces phenylalanine, which is neutral and non-polar, with isoleucine, which is neutral and non-polar, at codon 876 of the GUCY2D protein (p.Phe876Ile). In summary, the available evidence is currently insufficient to determine the role of this variant in disease. Therefore, it has been classified as a Variant of Uncertain Significance.

NM_000180.4(GUCY2D):c.2626T>A (p.Phe876Ile)

Gene: GUCY2D (guanylate cyclase 2D, retinal; plus strand). Cytogenetic location: 17p13.1.
Variant type: single nucleotide variant.
Coding change: c.2626T>A on transcript NM_000180.4 (MANE Select); coding-DNA position 2626, T replaced by A.
Protein change: p.Phe876Ile; replaces phenylalanine 876 with isoleucine.
Molecular consequence: missense variant.
Genome position (GRCh38, 1-based): chr17:8,014,908, T>A. VCF-style: chr17-8014908-T-A. GRCh37 (hg19) VCF-style: chr17-7918226-T-A.
Other names: short protein forms F876I.
Identifiers: ClinVar variation 1994611 (VCV001994611.4), dbSNP rs1975933506, ClinGen allele CA397953963.
Genomic context (GRCh38, chr17:8,014,908, plus strand): 5'-GCCATCCCTAGGTCTGTGGCTGAGGCCTTGAAGACGGGGACACCAGTGGAGCCCGAGTAC[T>A]TTGAGCAAGTGACACTGTACTTTAGTGACATTGTGGGCTTCACCACCATCTCTGCCATGA-3'
Protein context (NP_000171.1, residues 866-886): KTGTPVEPEY[Phe876Ile]EQVTLYFSDI